The following is an entry in ClinVar:

NM_152732.5(RSPH9):c.293_294del (p.Val98fs)

Gene: RSPH9 (radial spoke head component 9; plus strand). Cytogenetic location: 6p21.1.
Variant type: Microsatellite.
Coding change: c.293_294del on transcript NM_152732.5 (MANE Select); coding-DNA positions 293 to 294, 2 bases deleted (TG; older notation c.293_294delTG).
Protein change: p.Val98fs; shifts the reading frame from valine 98.
Molecular consequence: frameshift variant. On other transcripts: non-coding transcript variant (1).
Genome position (GRCh38, 1-based): chr6:43,650,440-43,650,441, TG deleted; deleting any 2 consecutive bases within chr6:43,650,438-43,650,441 gives the same sequence; the c. name uses the placement nearest the transcript's 3' end. VCF-style (leftmost placement, unchanged base first): chr6-43650437-CTG-C. GRCh37 (hg19) VCF-style: chr6-43618174-CTG-C.
Other names: c.293_294delTG (NM_152732.4); c.293_294del, p.Val98fs (NM_001193341.2, NM_001424119.1, NM_001424120.1 and 1 more transcripts); short protein forms V98fs.
Identifiers: ClinVar variation 4892141 (VCV004892141.2).

ClinVar aggregate classification (germline): Likely pathogenic. Review status: criteria provided, multiple submitters, no conflicts (2 of 4 stars). 2 submissions from 2 submitters: Likely pathogenic (2). Last evaluated 2025-02-12.

Conditions:
RSPH9-related disorder. Also called: RSPH9-related condition.

Submissions (2):

PreventionGenetics, part of Exact Sciences
Classification: Likely pathogenic for RSPH9-related condition. Last evaluated: 2025-02-12. Review status: criteria provided, single submitter. Criteria: ACMG Guidelines, 2015. Collection method: clinical testing. Allele origin: germline.
Comment: The RSPH9 c.293_294delTG variant is predicted to result in a frameshift and premature protein termination (p.Val98Glyfs*14). This variant has been reported in the homozygous state in an individual with primary ciliary dyskinesia (Baz-Redón et al. 2021. PubMed ID: 32253119). This variant has not been reported in a large population database (gnomAD), indicating this variant is rare. Frameshift variants in RSPH9 are expected to be pathogenic. This variant is interpreted as likely pathogenic.

Blueprint Genetics
Classification: Likely pathogenic for RSPH9-related disorders. Last evaluated: 2022-07-15. Review status: criteria provided, single submitter. Criteria: ACMG Guidelines, 2015. Collection method: clinical testing. Allele origin: germline. Affected: yes. Observed: 1 variant allele.